The following is an entry in ClinVar:

NM_153240.5(NPHP3):c.3181A>G (p.Ile1061Val)

Genes: NPHP3 (nephrocystin 3; minus strand), NPHP3-ACAD11 (NPHP3-ACAD11 readthrough (NMD candidate); minus strand). Cytogenetic location: 3q22.1.
Variant type: single nucleotide variant.
Coding change: c.3181A>G on transcript NM_153240.5 (MANE Select); coding-DNA position 3181, A replaced by G.
Protein change: p.Ile1061Val; replaces isoleucine 1061 with valine.
Molecular consequence: missense variant. On other transcripts: non-coding transcript variant (1).
Genome position (GRCh38, 1-based): chr3:132,687,171, T>C on the plus strand (A>G on the coding strand, the complement: NPHP3 is on the minus strand). VCF-style: chr3-132687171-T-C. GRCh37 (hg19) VCF-style: chr3-132406015-T-C.
Other names: short protein forms I1061V.
Identifiers: ClinVar variation 2156659 (VCV002156659.4), dbSNP rs752028669, ClinGen allele CA2621817.
Genomic context (GRCh38, chr3:132,687,171, plus strand): 5'-CTTACGTTCAAAACACAACACAAAAGAAATCTCTCCTTACCAAGTTGCCTTTTTTCTTTA[T>C]AGCTTTCTGATGAATTTTAAAGGATTTTTTCCTAAAATGTTCAGCTTGTTCATATCTTAA-3'
Protein context (NP_694972.3, residues 1051-1071): KKSFKIHQKA[Ile1061Val]KKKGNLYGFA

ClinVar aggregate classification (germline): Uncertain significance (1 of 4 stars; one submission).

Conditions:
Nephronophthisis. Also called: Juvenile Nephronophthisis. Identifiers: Orphanet 655, MedGen C0687120, MONDO:0019005, HP:0000090.

Allele frequency attached by ClinVar (database versions not stated): gnomAD exomes below 0.00001; ExAC 0.00001.
gnomAD v4.1: 3 of 1,476,366 alleles (0.0002%); highest among the groups gnomAD compares: Non-Finnish European, 0.00028%; no homozygotes.

Submission:

Labcorp Genetics (formerly Invitae), Labcorp
Classification: Uncertain significance for Nephronophthisis. Last evaluated: 2022-05-11. Review status: criteria provided, single submitter. Criteria: Invitae Variant Classification Sherloc (09022015). Collection method: clinical testing. Allele origin: germline.
Comment: In summary, the available evidence is currently insufficient to determine the role of this variant in disease. Therefore, it has been classified as a Variant of Uncertain Significance. Algorithms developed to predict the effect of missense changes on protein structure and function output the following: SIFT: "Tolerated"; PolyPhen-2: "Benign"; Align-GVGD: "Class C0". The valine amino acid residue is found in multiple mammalian species, which suggests that this missense change does not adversely affect protein function. This variant has not been reported in the literature in individuals affected with NPHP3-related conditions. The frequency data for this variant in the population databases is considered unreliable, as metrics indicate poor data quality at this position in the gnomAD database. This sequence change replaces isoleucine, which is neutral and non-polar, with valine, which is neutral and non-polar, at codon 1061 of the NPHP3 protein (p.Ile1061Val).